The following is an entry in ClinVar:

NM_001379500.1(COL18A1):c.661G>A (p.Ala221Thr)

Gene: COL18A1 (collagen type XVIII alpha 1 chain; plus strand). Cytogenetic location: 21q22.3.
Variant type: single nucleotide variant.
Coding change: c.661G>A on transcript NM_001379500.1 (MANE Select); coding-DNA position 661, G replaced by A.
Protein change: p.Ala221Thr; replaces alanine 221 with threonine.
Molecular consequence: missense variant.
Genome position (GRCh38, 1-based): chr21:45,473,904, G>A. VCF-style: chr21-45473904-G-A. GRCh37 (hg19) VCF-style: chr21-46893818-G-A.
Other names: c.1201G>A, p.Ala401Thr (NM_030582.4); c.1906G>A, p.Ala636Thr (NM_130444.3); c.1201G>A (NM_030582.3); short protein forms A401T, A221T, A636T.
Identifiers: ClinVar variation 1481413 (VCV001481413.4), dbSNP rs777771831, ClinGen allele CA10065839.

ClinVar aggregate classification (germline): Uncertain significance. Review status: criteria provided, multiple submitters, no conflicts (2 of 4 stars). 2 submissions from 2 submitters: Uncertain significance (2). Last evaluated 2023-02-08.

Conditions:
COL18A1-related disorder. Also called: COL18A1-related condition; COL18A1-related disorders.

Allele frequency attached by ClinVar (database versions not stated): gnomAD exomes 0.00001; ExAC 0.00004.
gnomAD v4.1: 13 of 1,602,176 alleles (0.00081%); highest among the groups gnomAD compares: Admixed American, 0.0017%; no homozygotes.

Submissions (2):

PreventionGenetics, part of Exact Sciences
Classification: Uncertain significance for COL18A1-related condition. Last evaluated: 2023-02-08. Review status: criteria provided, single submitter. Criteria: ACMG Guidelines, 2015. Collection method: clinical testing. Allele origin: germline.
Comment: The COL18A1 c.1201G>A variant is predicted to result in the amino acid substitution p.Ala401Thr. To our knowledge, this variant has not been reported in the literature. This variant is reported in 0.0031% of alleles in individuals of Latino descent in gnomAD. At this time, the clinical significance of this variant is uncertain due to the absence of conclusive functional and genetic evidence.

Labcorp Genetics (formerly Invitae), Labcorp
Classification: Uncertain significance. Last evaluated: 2022-10-13. Review status: criteria provided, single submitter. Criteria: Invitae Variant Classification Sherloc (09022015). Collection method: clinical testing. Allele origin: germline.
Comment: This sequence change replaces alanine with threonine at codon 221 of the COL18A1 protein (p.Ala221Thr). There is a small physicochemical difference between alanine and threonine. The frequency data for this variant in the population databases is considered unreliable, as metrics indicate poor data quality at this position in the gnomAD database. This variant has not been reported in the literature in individuals affected with COL18A1-related conditions. ClinVar contains an entry for this variant (Variation ID: 1481413). Experimental studies and prediction algorithms are not available or were not evaluated, and the functional significance of this variant is currently unknown. In summary, the available evidence is currently insufficient to determine the role of this variant in disease. Therefore, it has been classified as a Variant of Uncertain Significance.